The following is an entry in ClinVar:

ClinVar aggregate classification (germline): Uncertain significance. Review status: criteria provided, multiple submitters, no conflicts (2 of 4 stars). 5 submissions from 5 submitters: Uncertain significance (5). Last evaluated 2025-05-07.

Conditions:
Fanconi anemia (FA). Also called: Fanconi's anemia. Identifiers: Orphanet 84, MedGen C0015625, MeSH D005199, MONDO:0019391.
Spermatogenic failure 28. Identifiers: MedGen C4748117, MONDO:0054732, OMIM 618086.
Premature ovarian failure 15. Identifiers: MedGen C4748170, MONDO:0054862, OMIM 618096.

Allele frequency attached by ClinVar (database versions not stated): gnomAD 0.00001; gnomAD exomes 0.00002 and 0.00004; TOPMed 0.00002; ExAC 0.00006.
gnomAD v4.1: 38 of 1,613,576 alleles (0.0024%); highest among the groups gnomAD compares: South Asian, 0.012%; no homozygotes.

Submissions (5):

GeneDx
Classification: Uncertain significance. Last evaluated: 2025-05-07. Review status: criteria provided, single submitter. Criteria: GeneDx Variant Classification Process June 2021. Collection method: clinical testing. Allele origin: germline.
Comment: In silico analysis suggests that this missense variant does not alter protein structure/function; Has not been previously published as pathogenic or benign to our knowledge

Labcorp Genetics (formerly Invitae), Labcorp
Classification: Uncertain significance for Fanconi anemia. Last evaluated: 2024-08-18. Review status: criteria provided, single submitter. Criteria: Invitae Variant Classification Sherloc (09022015). Collection method: clinical testing. Allele origin: germline.
Comment: This sequence change replaces arginine, which is basic and polar, with histidine, which is basic and polar, at codon 1196 of the FANCM protein (p.Arg1196His). This variant is present in population databases (rs751441742, gnomAD 0.02%). This variant has not been reported in the literature in individuals affected with FANCM-related conditions. ClinVar contains an entry for this variant (Variation ID: 659358). An algorithm developed to predict the effect of missense changes on protein structure and function outputs the following: PolyPhen-2: "Benign". The histidine amino acid residue is found in multiple mammalian species, which suggests that this missense change does not adversely affect protein function. In summary, the available evidence is currently insufficient to determine the role of this variant in disease. Therefore, it has been classified as a Variant of Uncertain Significance.

Quest Diagnostics Nichols Institute San Juan Capistrano
Classification: Uncertain significance. Last evaluated: 2023-02-06. Review status: criteria provided, single submitter. Criteria: Quest Diagnostics criteria. Collection method: clinical testing. Allele origin: unknown.
Comment: The variant has not been reported in the published literature. The frequency of this variant in the general population, 0.00016 (5/30608 chromosomes), is uninformative in assessment of its pathogenicity. Analysis of this variant using bioinformatics tools for the prediction of the effect of amino acid changes on protein structure and function yielded predictions that this variant is benign. Based on the available information, we are unable to determine the clinical significance of this variant.

Fulgent Genetics
Classification: Uncertain significance for Spermatogenic failure 28; Premature ovarian failure 15. Last evaluated: 2022-02-04. Review status: criteria provided, single submitter. Criteria: ACMG Guidelines, 2015. Collection method: clinical testing. Allele origin: unknown.

Institute for Clinical Genetics, University Hospital TU Dresden, University Hospital TU Dresden
Classification: Uncertain significance. Last evaluated: 2021-11-03. Review status: criteria provided, single submitter. Criteria: ACMG Guidelines, 2015. Collection method: clinical testing. Allele origin: germline.

NM_020937.4(FANCM):c.3587G>A (p.Arg1196His)

Gene: FANCM (FA complementation group M; plus strand). Cytogenetic location: 14q21.2.
Variant type: single nucleotide variant.
Coding change: c.3587G>A on transcript NM_020937.4 (MANE Select); coding-DNA position 3587, G replaced by A.
Protein change: p.Arg1196His; replaces arginine 1196 with histidine.
Molecular consequence: missense variant.
Genome position (GRCh38, 1-based): chr14:45,176,341, G>A. VCF-style: chr14-45176341-G-A. GRCh37 (hg19) VCF-style: chr14-45645544-G-A.
Other names: c.3587G>A (LRG_502t1, NM_020937.3); c.3509G>A, p.Arg1170His (NM_001308133.2); short protein forms R1170H, R1196H.
Identifiers: ClinVar variation 659358 (VCV000659358.16), dbSNP rs751441742, ClinGen allele CA7169536.